The following is an entry in ClinVar:

NM_024675.4(PALB2):c.3138G>A (p.Leu1046=)

Gene: PALB2 (partner and localizer of BRCA2; minus strand). Cytogenetic location: 16p12.2.
Variant type: single nucleotide variant.
Coding change: c.3138G>A on transcript NM_024675.4 (MANE Select); coding-DNA position 3138, G replaced by A.
Protein change: p.Leu1046=; no amino-acid change (leucine 1046 retained).
Molecular consequence: synonymous variant.
Genome position (GRCh38, 1-based): chr16:23,614,067, C>T on the plus strand (G>A on the coding strand, the complement: PALB2 is on the minus strand). VCF-style: chr16-23614067-C-T. GRCh37 (hg19) VCF-style: chr16-23625388-C-T.
Identifiers: ClinVar variation 484215 (VCV000484215.18), dbSNP rs1555458824, ClinGen allele CA494177719.
Genomic context (GRCh38, chr16:23,614,067, plus strand): 5'-TTCAGAATAGGCTTTGTGACAGACTGAAGCTTGGTAAGAATCATCAATGTGCATCTTTTT[C>T]AGGAGTTGACCAGTTTTTAAATTCCTTAGATAACAAAAATAAATAAGCTGATCACATTCT-3'
Protein context (NP_078951.2, residues 1036-1056): VIWNLKTGQL[Leu1046=]KKMHIDDSYQ

ClinVar aggregate classification (germline): Benign/Likely benign. Review status: criteria provided, multiple submitters, no conflicts (2 of 4 stars). 4 submissions from 4 submitters: Benign (1); Likely benign (3). Last evaluated 2025-01-21.

Conditions:
Familial cancer of breast. Also called: BREAST CANCER, FAMILIAL; Hereditary breast cancer; hereditary breast carcinoma. Identifiers: Orphanet 227535, MedGen C0346153, MONDO:0016419, OMIM 114480. Disease mechanism: loss of function.
Hereditary cancer-predisposing syndrome. Also called: Neoplastic Syndromes, Hereditary; Tumor predisposition; Hereditary Cancer Syndrome; Hereditary neoplastic syndrome. Identifiers: Orphanet 140162, MedGen C0027672, MeSH D009386, MONDO:0015356.

Allele frequency attached by ClinVar (database versions not stated): gnomAD exomes below 0.00001.
gnomAD v4.1: 3 of 1,612,896 alleles (0.00019%); highest among the groups gnomAD compares: Non-Finnish European, 0.00025%; no homozygotes.

Submissions (4):

Myriad Genetics, Inc.
Classification: Benign for Familial cancer of breast. Last evaluated: 2025-01-21. Review status: criteria provided, single submitter. Criteria: Myriad Autosomal Dominant, Autosomal Recessive and X-Linked Classification Criteria (2023). Collection method: clinical testing. Allele origin: unknown.
Comment: This variant is considered benign. This variant is a silent/synonymous amino acid change and it is not expected to impact splicing.

GeneDx
Classification: Likely benign. Last evaluated: 2020-01-17. Review status: criteria provided, single submitter. Criteria: GeneDx Variant Classification Process June 2021. Collection method: clinical testing. Allele origin: germline. Affected: yes.
Comment: Not observed in large population cohorts (Lek et al., 2016); Has not been previously published as pathogenic or benign to our knowledge

Labcorp Genetics (formerly Invitae), Labcorp
Classification: Likely benign for Familial cancer of breast. Last evaluated: 2020-01-11. Review status: criteria provided, single submitter. Criteria: Invitae Variant Classification Sherloc (09022015). Collection method: clinical testing. Allele origin: germline.

Ambry Genetics
Classification: Likely benign for Hereditary cancer-predisposing syndrome. Last evaluated: 2017-01-09. Review status: criteria provided, single submitter. Criteria: Ambry Variant Classification Scheme 2023. Collection method: clinical testing. Allele origin: germline.